The following is an entry in ClinVar:

NM_001556.3(IKBKB):c.2263G>T (p.Ala755Ser)

Gene: IKBKB (inhibitor of nuclear factor kappa B kinase subunit beta; plus strand). Cytogenetic location: 8p11.21.
Variant type: single nucleotide variant.
Coding change: c.2263G>T on transcript NM_001556.3 (MANE Select); coding-DNA position 2263, G replaced by T.
Protein change: p.Ala755Ser; replaces alanine 755 with serine.
Molecular consequence: missense variant. On other transcripts: non-coding transcript variant (3).
Genome position (GRCh38, 1-based): chr8:42,330,971, G>T. VCF-style: chr8-42330971-G-T. GRCh37 (hg19) VCF-style: chr8-42188489-G-T.
Other names: c.2071G>T, p.Ala691Ser (NM_001190720.3); c.2086G>T, p.Ala696Ser (NM_001242778.2); short protein forms A696S, A755S, A691S.
Identifiers: ClinVar variation 746609 (VCV000746609.18), dbSNP rs202054179, ClinGen allele CA4732242.

ClinVar aggregate classification (germline): Likely benign. Review status: criteria provided, multiple submitters, no conflicts (2 of 4 stars). 2 submissions from 2 submitters: Likely benign (2). Last evaluated 2026-02-01.

Conditions:
Severe combined immunodeficiency due to IKK2 deficiency. Also called: IMMUNODEFICIENCY 15B; Immunodeficiency 15. Identifiers: Orphanet 397787, MedGen C4747743, MONDO:0014267, OMIM 615592.

Allele frequency attached by ClinVar (database versions not stated): TOPMed 0.00007; ExAC 0.00026; 1000 Genomes Project 30x 0.00031; 1000 Genomes Project 0.00040.
gnomAD v4.1: 237 of 1,614,112 alleles (0.015%); highest among the groups gnomAD compares: Middle Eastern, 0.2%; 4 homozygotes.

Submissions (2):

CeGaT Center for Human Genetics Tuebingen
Classification: Likely benign. Last evaluated: 2026-02-01. Review status: criteria provided, single submitter. Criteria: CeGaT Center For Human Genetics Tuebingen Variant Classification Criteria Version 2. Collection method: clinical testing. Allele origin: germline. Affected: yes. Observed: 2 variant alleles.
Comment: IKBKB: BP4

Labcorp Genetics (formerly Invitae), Labcorp
Classification: Likely benign for Severe combined immunodeficiency due to IKK2 deficiency. Last evaluated: 2026-01-26. Review status: criteria provided, single submitter. Criteria: Invitae Variant Classification Sherloc (09022015). Collection method: clinical testing. Allele origin: germline.